The following is an entry in ClinVar:

NM_001105206.3(LAMA4):c.1135A>T (p.Asn379Tyr)

Gene: LAMA4 (laminin subunit alpha 4; minus strand). Cytogenetic location: 6q21.
Variant type: single nucleotide variant.
Coding change: c.1135A>T on transcript NM_001105206.3 (MANE Select); coding-DNA position 1135, A replaced by T.
Protein change: p.Asn379Tyr; replaces asparagine 379 with tyrosine.
Molecular consequence: missense variant.
Genome position (GRCh38, 1-based): chr6:112,178,175, T>A on the plus strand (A>T on the coding strand, the complement: LAMA4 is on the minus strand). VCF-style: chr6-112178175-T-A. GRCh37 (hg19) VCF-style: chr6-112499377-T-A.
Other names: c.1114A>T, p.Asn372Tyr (NM_001105207.3, NM_002290.5); short protein forms N379Y, N372Y.
Identifiers: ClinVar variation 2892988 (VCV002892988.3), dbSNP rs1185581014, ClinGen allele CA365373029.

ClinVar aggregate classification (germline): Uncertain significance (1 of 4 stars; one submission).

Conditions:
Dilated cardiomyopathy 1JJ (CMD1JJ). Identifiers: Orphanet 154, MedGen C3808935, MONDO:0014095, OMIM 615235.

Allele frequency attached by ClinVar (database versions not stated): gnomAD 0.00001; TOPMed 0.00001.
gnomAD v4.1: 2 of 1,613,910 alleles (0.00012%); highest among the groups gnomAD compares: Non-Finnish European, 0.00017%; no homozygotes.

Submission:

Labcorp Genetics (formerly Invitae), Labcorp
Classification: Uncertain significance for Dilated cardiomyopathy 1JJ. Last evaluated: 2023-11-10. Review status: criteria provided, single submitter. Criteria: Invitae Variant Classification Sherloc (09022015). Collection method: clinical testing. Allele origin: germline.
Comment: This sequence change replaces asparagine, which is neutral and polar, with tyrosine, which is neutral and polar, at codon 372 of the LAMA4 protein (p.Asn372Tyr). This variant is not present in population databases (gnomAD no frequency). This variant has not been reported in the literature in individuals affected with LAMA4-related conditions. An algorithm developed to predict the effect of missense changes on protein structure and function (PolyPhen-2) suggests that this variant is likely to be disruptive. In summary, the available evidence is currently insufficient to determine the role of this variant in disease. Therefore, it has been classified as a Variant of Uncertain Significance.